The following is an entry in ClinVar:

NM_006662.3(SRCAP):c.7382del (p.Pro2461fs)

Gene: SRCAP (Snf2 related CREBBP activator protein; plus strand). Cytogenetic location: 16p11.2.
Variant type: Deletion.
Coding change: c.7382del on transcript NM_006662.3 (MANE Select); coding-DNA position 7382, one base deleted (C; older notation c.7382delC).
Protein change: p.Pro2461fs; shifts the reading frame from proline 2461.
Molecular consequence: frameshift variant.
Genome position (GRCh38, 1-based): chr16:30,737,422, C deleted; the last of 3 consecutive C bases (chr16:30,737,420-30,737,422); deleting any one gives the same sequence. VCF-style (leftmost placement, unchanged base first): chr16-30737419-TC-T. GRCh37 (hg19) VCF-style: chr16-30748740-TC-T.
Other names: c.7382delC (NM_006662.3); short protein forms P2461fs.
Identifiers: ClinVar variation 1335964 (VCV001335964.5), dbSNP rs2151300137, ClinGen allele CA2573054222.
Genomic context (GRCh38, chr16:30,737,419, plus strand): 5'-CACCTAGGCCTCGACCCACTCCAGCTTCAGCTCCGGCTGCAATTCCTGCCCTTGTTCCTG[TC>T]CCAGTTTCTGCCCCAGTACCCATTTCAGCCCCAAATCCAATAACCATTCTCCCTGTCCAT-3'

ClinVar aggregate classification (germline): Pathogenic. Review status: criteria provided, multiple submitters, no conflicts (2 of 4 stars). 2 submissions from 2 submitters: Pathogenic (2). Last evaluated 2025-10-30.

Conditions:
Floating-Harbor syndrome (FLHS). Also called: Short stature with delayed bone age, expressive language delay, a triangular face with a prominent nose and deep-set eyes; Pelletier-Leisti syndrome; SRCAP-Related Floating-Harbor Syndrome. Identifiers: Orphanet 2044, MedGen C0729582, MONDO:0007621, OMIM 136140.

Submissions (2):

Department of Endocrinology, Genetics and Metabolism, Beijing Children’s Hospital, Capital Medical University
Classification: Pathogenic for Floating-Harbor syndrome. Last evaluated: 2025-10-30. Review status: criteria provided, single submitter. Criteria: ACMG Guidelines, 2015. Collection method: research. Allele origin: germline. Affected: yes. Observed: 1 variant allele.
Comment: PVS1;PS2;PM2

Genetic Services Laboratory, University of Chicago
Classification: Pathogenic. Last evaluated: 2020-03-05. Review status: criteria provided, single submitter. Criteria: ACMG Guidelines, 2015. Collection method: clinical testing. Allele origin: germline. Affected: yes.
Comment: DNA sequence analysis of the SRCAP gene demonstrated a one base pair deletion in exon 34, c.7382del. This pathogenic sequence change results in an amino acid frameshift and creates a premature stop codon 13 amino acids downstream of the mutation, p.Pro2461Glnfs*14. This pathogenic sequence change is predicted to result in the production of a truncated SRCAP protein with potentially abnormal function. This sequence change does not appear to have been previously described in patients with SRCAP-related disorders and has also not been described in population databases (ExAC, gnomAD). However, the c.7382del sequence change is located in a domain on the SRCAP protein where several other truncating variants have been identified in patients with a clinical diagnosis of Floating-Harbor syndrome (OMIM# 136140; PMID: 22265015).